The following is an entry in ClinVar:

NM_017654.4(SAMD9):c.3944A>G (p.Asn1315Ser)

Gene: SAMD9 (sterile alpha motif domain containing 9; minus strand). Cytogenetic location: 7q21.2.
Variant type: single nucleotide variant.
Coding change: c.3944A>G on transcript NM_017654.4 (MANE Select); coding-DNA position 3944, A replaced by G.
Protein change: p.Asn1315Ser; replaces asparagine 1315 with serine.
Molecular consequence: missense variant.
Genome position (GRCh38, 1-based): chr7:93,102,154, T>C on the plus strand (A>G on the coding strand, the complement: SAMD9 is on the minus strand). VCF-style: chr7-93102154-T-C. GRCh37 (hg19) VCF-style: chr7-92731467-T-C.
Other names: c.3944A>G, p.Asn1315Ser (NM_001193307.2); short protein forms N1315S.
Identifiers: ClinVar variation 4159157 (VCV004159157.3).

ClinVar aggregate classification (germline): Uncertain significance. Review status: criteria provided, multiple submitters, no conflicts (2 of 4 stars). 3 submissions from 3 submitters: Uncertain significance (3). Last evaluated 2025-11-03.

Conditions:
SAMD9-related disorder. Also called: SAMD9-related condition.
Inborn genetic diseases. Identifiers: MedGen C0950123, MeSH D030342.

Submissions (3):

Labcorp Genetics (formerly Invitae), Labcorp
Classification: Uncertain significance. Last evaluated: 2025-11-03. Review status: criteria provided, single submitter. Criteria: Invitae Variant Classification Sherloc (09022015). Collection method: clinical testing. Allele origin: germline.
Comment: This sequence change replaces asparagine, which is neutral and polar, with serine, which is neutral and polar, at codon 1315 of the SAMD9 protein (p.Asn1315Ser). This variant is not present in population databases (gnomAD no frequency). This variant has not been reported in the literature in individuals affected with SAMD9-related conditions. ClinVar contains an entry for this variant (Variation ID: 4159157). Invitae Evidence Modeling of protein sequence and biophysical properties (such as structural, functional, and spatial information, amino acid conservation, physicochemical variation, residue mobility, and thermodynamic stability) indicates that this missense variant is not expected to disrupt SAMD9 protein function with a negative predictive value of 95%. In summary, the available evidence is currently insufficient to determine the role of this variant in disease. Therefore, it has been classified as a Variant of Uncertain Significance.

Ambry Genetics
Classification: Uncertain significance for Inborn genetic diseases. Last evaluated: 2025-08-19. Review status: criteria provided, single submitter. Criteria: Ambry Variant Classification Scheme 2023. Collection method: clinical testing. Allele origin: germline.
Comment: The p.N1315S variant (also known as c.3944A>G), located in coding exon 1 of the SAMD9 gene, results from an A to G substitution at nucleotide position 3944. The asparagine at codon 1315 is replaced by serine, an amino acid with highly similar properties. This amino acid position is conserved. In addition, this alteration is predicted to be tolerated by in silico analysis. Based on the available evidence, the clinical significance of this variant remains unclear.

PreventionGenetics, part of Exact Sciences
Classification: Uncertain significance for SAMD9-related condition. Last evaluated: 2025-06-12. Review status: criteria provided, single submitter. Criteria: ACMG Guidelines, 2015. Collection method: clinical testing. Allele origin: germline.
Comment: The SAMD9 c.3944A>G variant is predicted to result in the amino acid substitution p.Asn1315Ser. To our knowledge, this variant has not been reported in the literature or in a large population database (gnomAD), indicating this variant is rare. At this time, the clinical significance of this variant is uncertain due to the absence of conclusive functional and genetic evidence.